The following is an entry in ClinVar:

ClinVar aggregate classification (germline): Uncertain significance (1 of 4 stars; one submission).

Conditions:
Hereditary cancer-predisposing syndrome. Also called: Hereditary Cancer Syndrome; Tumor predisposition; Hereditary neoplastic syndrome; Neoplastic Syndromes, Hereditary. Identifiers: Orphanet 140162, MedGen C0027672, MeSH D009386, MONDO:0015356.

Submission:

Ambry Genetics
Classification: Uncertain significance for Hereditary cancer-predisposing syndrome. Last evaluated: 2024-09-18. Review status: criteria provided, single submitter. Criteria: Ambry Variant Classification Scheme 2023. Collection method: clinical testing. Allele origin: germline.
Comment: The p.A1021S variant (also known as c.3061G>T), located in coding exon 4 of the MSH6 gene, results from a G to T substitution at nucleotide position 3061. The alanine at codon 1021 is replaced by serine, an amino acid with similar properties. This amino acid position is conserved. In addition, the in silico prediction for this alteration is inconclusive. Based on the available evidence, the clinical significance of this variant remains unclear.

NM_000179.3(MSH6):c.3061G>T (p.Ala1021Ser)

Gene: MSH6 (mutS homolog 6; plus strand). Cytogenetic location: 2p16.3.
Variant type: single nucleotide variant.
Coding change: c.3061G>T on transcript NM_000179.3 (MANE Select); coding-DNA position 3061, G replaced by T.
Protein change: p.Ala1021Ser; replaces alanine 1021 with serine.
Molecular consequence: missense variant. On other transcripts: non-coding transcript variant (5), intron variant (2).
Genome position (GRCh38, 1-based): chr2:47,801,044, G>T. VCF-style: chr2-47801044-G-T. GRCh37 (hg19) VCF-style: chr2-48028183-G-T.
Other names: c.2671G>T, p.Ala891Ser (NM_001281492.2); c.2155G>T, p.Ala719Ser (NM_001281493.2, NM_001281494.2, NM_001406811.1 and 6 more transcripts); c.3157G>T, p.Ala1053Ser (NM_001406795.1, NM_001406802.1); c.3061G>T, p.Ala1021Ser (NM_001406796.1, NM_001406798.1, NM_001406800.1 and 2 more transcripts); c.2764G>T, p.Ala922Ser (NM_001406797.1, NM_001406801.1, NM_001406805.1 and 10 more transcripts); c.2536G>T, p.Ala846Ser (NM_001406799.1, NM_001406806.1, NM_001406807.1); c.2983G>T, p.Ala995Ser (NM_001406804.1); c.3067G>T, p.Ala1023Ser (NM_001406813.1); and 4 more; short protein forms A336S, A965S, A1021S, A1023S, A719S, A891S, A922S, A995S.
Identifiers: ClinVar variation 3398921 (VCV003398921.1).
Genomic context (GRCh38, chr2:47,801,044, plus strand): 5'-AAGGGCTGTAAACGATACTGGACCAAAACTATTGAAAAGAAGTTGGCTAATCTCATAAAT[G>T]CTGAAGAACGGAGGGATGTATCATTGAAGGACTGCATGCGGCGACTGTTCTATAACTTTG-3'
Protein context (NP_000170.1, residues 1011-1031): IEKKLANLIN[Ala1021Ser]EERRDVSLKD